The following is an entry in ClinVar:

ClinVar aggregate classification (germline): Uncertain significance (1 of 4 stars; one submission).

Conditions:
Ullrich congenital muscular dystrophy 2 (UCMD2). Identifiers: Orphanet 75840, MedGen C4225314, MONDO:0014654, OMIM 616470.
Bethlem myopathy 2 (BTHLM2). Identifiers: Orphanet 536516, Orphanet 610, MedGen C4225313, MONDO:0034022, OMIM 616471.

Submission:

Labcorp Genetics (formerly Invitae), Labcorp
Classification: Uncertain significance for Bethlem myopathy 2; Ullrich congenital muscular dystrophy 2. Last evaluated: 2024-03-02. Review status: criteria provided, single submitter. Criteria: Invitae Variant Classification Sherloc (09022015). Collection method: clinical testing. Allele origin: germline.
Comment: This sequence change replaces glycine, which is neutral and non-polar, with cysteine, which is neutral and slightly polar, at codon 2035 of the COL12A1 protein (p.Gly2035Cys). This variant is not present in population databases (gnomAD no frequency). This variant has not been reported in the literature in individuals affected with COL12A1-related conditions. Advanced modeling of protein sequence and biophysical properties (such as structural, functional, and spatial information, amino acid conservation, physicochemical variation, residue mobility, and thermodynamic stability) performed at Invitae indicates that this missense variant is not expected to disrupt COL12A1 protein function with a negative predictive value of 80%. In summary, the available evidence is currently insufficient to determine the role of this variant in disease. Therefore, it has been classified as a Variant of Uncertain Significance.

NM_004370.6(COL12A1):c.6103G>T (p.Gly2035Cys)

Gene: COL12A1 (collagen type XII alpha 1 chain; minus strand). Cytogenetic location: 6q13.
Variant type: single nucleotide variant.
Coding change: c.6103G>T on transcript NM_004370.6 (MANE Select); coding-DNA position 6103, G replaced by T.
Protein change: p.Gly2035Cys; replaces glycine 2035 with cysteine.
Molecular consequence: missense variant.
Genome position (GRCh38, 1-based): chr6:75,130,198, C>A on the plus strand (G>T on the coding strand, the complement: COL12A1 is on the minus strand). VCF-style: chr6-75130198-C-A. GRCh37 (hg19) VCF-style: chr6-75839914-C-A.
Other names: c.6103G>T, p.Gly2035Cys (NM_001424113.1); c.6082G>T, p.Gly2028Cys (NM_001424114.1); c.5830G>T, p.Gly1944Cys (NM_001424115.1); c.2611G>T, p.Gly871Cys (NM_001424116.1, NM_080645.3); short protein forms G1944C, G2028C, G2035C, G871C.
Identifiers: ClinVar variation 3748911 (VCV003748911.2).